The following is an entry in ClinVar:

ClinVar aggregate classification (germline): Benign (1 of 4 stars; one submission).

Conditions:
MGAT2-congenital disorder of glycosylation. Also called: MENTAL RETARDATION, GROWTH RETARDATION, PROMINENT COLUMELLA, AND OPEN MOUTH; Alkuraya syndrome; Congenital disorder of glycosylation, type IIa; CDG IIa; MGAT2-CDG. Identifiers: Orphanet 79329, MedGen C2931008, MONDO:0008908, OMIM 212066.

Allele frequency attached by ClinVar (database versions not stated): gnomAD 0.00088 and 0.00115; TOPMed 0.00117; gnomAD exomes 0.00278; 1000 Genomes Project 0.00479; 1000 Genomes Project 30x 0.00515.

Submission:

Illumina Laboratory Services, Illumina
Classification: Benign for MGAT2-congenital disorder of glycosylation. Last evaluated: 2017-04-27. Review status: criteria provided, single submitter. Criteria: ICSL Variant Classification Criteria 13 December 2019. Collection method: clinical testing. Allele origin: germline.
Comment: This variant was observed as part of a predisposition screen in an ostensibly healthy population. A literature search was performed for the gene, cDNA change, and amino acid change (where applicable). No publications were found based on this search. Allele frequency data from public databases was too high to be consistent with this variant causing disease. Therefore, this variant is classified as benign.

NM_002408.4(MGAT2):c.*228A>G

Gene: MGAT2 (alpha-1,6-mannosyl-glycoprotein 2-beta-N-acetylglucosaminyltransferase; plus strand). Cytogenetic location: 14q21.3.
Variant type: single nucleotide variant.
Coding change: c.*228A>G on transcript NM_002408.4 (MANE Select); 228 bases downstream of the stop codon, A replaced by G.
Molecular consequence: 3 prime UTR variant.
Genome position (GRCh38, 1-based): chr14:49,622,840, A>G. VCF-style: chr14-49622840-A-G. GRCh37 (hg19) VCF-style: chr14-50089558-A-G.
Identifiers: ClinVar variation 882198 (VCV000882198.4), dbSNP rs118186898, ClinGen allele CA260661077.